The following is an entry in ClinVar:

NM_014946.4(SPAST):c.1322-16C>G

Gene: SPAST (spastin; plus strand). Cytogenetic location: 2p22.3.
Variant type: single nucleotide variant.
Coding change: c.1322-16C>G on transcript NM_014946.4 (MANE Select); 16 bases into the intron before coding-DNA position 1322, C replaced by G.
Molecular consequence: intron variant.
Genome position (GRCh38, 1-based): chr2:32,136,861, C>G. VCF-style: chr2-32136861-C-G. GRCh37 (hg19) VCF-style: chr2-32361930-C-G.
Other names: c.1226-16C>G (NM_199436.2, NM_001377959.1); c.1319-16C>G (NM_001363823.2); c.1223-16C>G (NM_001363875.2).
Identifiers: ClinVar variation 2838084 (VCV002838084.3), dbSNP rs1679551954, ClinGen allele CA2739274297.

ClinVar aggregate classification (germline): Uncertain significance (1 of 4 stars; one submission).

Conditions:
Hereditary spastic paraplegia 4. Also called: Spastic Paraplegia 4; Spastic paraplegia 4, autosomal dominant; Familial spastic paraplegia autosomal dominant 2. Identifiers: Orphanet 100985, MedGen C1866855, MONDO:0008438, OMIM 182601.

Submission:

Labcorp Genetics (formerly Invitae), Labcorp
Classification: Uncertain significance for Hereditary spastic paraplegia 4. Last evaluated: 2023-08-07. Review status: criteria provided, single submitter. Criteria: Invitae Variant Classification Sherloc (09022015). Collection method: clinical testing. Allele origin: germline.
Comment: In summary, the available evidence is currently insufficient to determine the role of this variant in disease. Therefore, it has been classified as a Variant of Uncertain Significance. Algorithms developed to predict the effect of sequence changes on RNA splicing suggest that this variant may disrupt the consensus splice site. This variant has not been reported in the literature in individuals affected with SPAST-related conditions. This variant is not present in population databases (gnomAD no frequency). This sequence change falls in intron 10 of the SPAST gene. It does not directly change the encoded amino acid sequence of the SPAST protein.